The following is an entry in ClinVar:

ClinVar aggregate classification (germline): Uncertain significance. Review status: criteria provided, multiple submitters, no conflicts (2 of 4 stars). 2 submissions from 2 submitters: Uncertain significance (2). Last evaluated 2024-04-12.

Conditions:
Long QT syndrome (LQTS). Identifiers: MedGen C0023976, MeSH D008133, MONDO:0002442. Disease mechanism: loss of function. Inheritance: Various modes of inheritance.

Allele frequency attached by ClinVar (database versions not stated): ExAC 0.00001.

Submissions (2):

Blueprint Genetics
Classification: Uncertain significance. Last evaluated: 2024-04-12. Review status: criteria provided, single submitter. Criteria: ACMG Guidelines, 2015. Collection method: clinical testing. Allele origin: germline.

Labcorp Genetics (formerly Invitae), Labcorp
Classification: Uncertain significance for Long QT syndrome. Last evaluated: 2023-04-06. Review status: criteria provided, single submitter. Criteria: Invitae Variant Classification Sherloc (09022015). Collection method: clinical testing. Allele origin: germline.
Comment: Algorithms developed to predict the effect of sequence changes on RNA splicing suggest that this variant may create or strengthen a splice site. In summary, the available evidence is currently insufficient to determine the role of this variant in disease. Therefore, it has been classified as a Variant of Uncertain Significance. This variant has not been reported in the literature in individuals affected with AKAP9-related conditions. This sequence change falls in intron 21 of the AKAP9 gene. It does not directly change the encoded amino acid sequence of the AKAP9 protein. This variant is present in population databases (rs757856586, gnomAD 0.0009%).

NM_005751.5(AKAP9):c.5369-12C>G

Gene: AKAP9 (A-kinase anchoring protein 9; plus strand). Cytogenetic location: 7q21.2.
Variant type: single nucleotide variant.
Coding change: c.5369-12C>G on transcript NM_005751.5 (MANE Select); 12 bases into the intron before coding-DNA position 5369, C replaced by G.
Molecular consequence: intron variant.
Genome position (GRCh38, 1-based): chr7:92,052,714, C>G. VCF-style: chr7-92052714-C-G. GRCh37 (hg19) VCF-style: chr7-91682028-C-G.
Other names: c.5369-12C>G (NM_147185.3).
Identifiers: ClinVar variation 2959587 (VCV002959587.4), dbSNP rs757856586, ClinGen allele CA4336781.